The following is an entry in ClinVar:

NM_001330332.2(CD70):c.453T>G (p.Leu151=)

Gene: CD70 (CD70 molecule; minus strand). Cytogenetic location: 19p13.3.
Variant type: single nucleotide variant.
Coding change: c.453T>G on transcript NM_001330332.2; coding-DNA position 453, T replaced by G.
Protein change: p.Leu151=; no amino-acid change (leucine 151 retained).
Molecular consequence: synonymous variant.
Genome position (GRCh38, 1-based): chr19:6,583,474, A>C on the plus strand (T>G on the coding strand, the complement: CD70 is on the minus strand). VCF-style: chr19-6583474-A-C. GRCh37 (hg19) VCF-style: chr19-6583485-A-C.
Identifiers: ClinVar variation 3042808 (VCV003042808.2), dbSNP rs111613514, ClinGen allele CA9127770.

ClinVar aggregate classification (germline): Likely benign (0 of 4 stars; one submission).

Conditions:
CD70-related disorder. Also called: CD70-related condition.

Allele frequency attached by ClinVar (database versions not stated): ExAC 0.00220; 1000 Genomes Project 30x 0.00999; gnomAD exomes 0.00146; 1000 Genomes Project 0.00998; gnomAD 0.00961; TOPMed 0.01077.
gnomAD v4.1: 2,230 of 641,278 alleles (0.35%); highest among the groups gnomAD compares: African/African-American, 3.1%; 29 homozygotes.

Submission:

PreventionGenetics, part of Exact Sciences
Classification: Likely benign for CD70-related condition. Last evaluated: 2020-06-05. Review status: no assertion criteria provided. Collection method: clinical testing. Allele origin: germline.
Comment: This variant is classified as likely benign based on ACMG/AMP sequence variant interpretation guidelines (Richards et al. 2015 PMID: 25741868, with internal and published modifications).